The following is an entry in ClinVar:

ClinVar aggregate classification (germline): Uncertain significance. Review status: criteria provided, multiple submitters, no conflicts (2 of 4 stars). 3 submissions from 3 submitters: Uncertain significance (3). Last evaluated 2025-11-18.

Conditions:
Inborn genetic diseases. Identifiers: MedGen C0950123, MeSH D030342.

Allele frequency attached by ClinVar (database versions not stated): ExAC 0.00003; gnomAD exomes 0.00003.
gnomAD v4.1: 46 of 1,613,730 alleles (0.0029%); highest among the groups gnomAD compares: Middle Eastern, 0.016%; no homozygotes.

Submissions (3):

Labcorp Genetics (formerly Invitae), Labcorp
Classification: Uncertain significance. Last evaluated: 2025-11-18. Review status: criteria provided, single submitter. Criteria: Invitae Variant Classification Sherloc (09022015). Collection method: clinical testing. Allele origin: germline.
Comment: This sequence change replaces threonine, which is neutral and polar, with methionine, which is neutral and non-polar, at codon 121 of the C1S protein (p.Thr121Met). This variant is present in population databases (rs782226018, gnomAD 0.006%). This variant has not been reported in the literature in individuals affected with C1S-related conditions. ClinVar contains an entry for this variant (Variation ID: 2182158). Invitae Evidence Modeling of protein sequence and biophysical properties (such as structural, functional, and spatial information, amino acid conservation, physicochemical variation, residue mobility, and thermodynamic stability) indicates that this missense variant is expected to disrupt C1S protein function with a positive predictive value of 80%. In summary, the available evidence is currently insufficient to determine the role of this variant in disease. Therefore, it has been classified as a Variant of Uncertain Significance.

Women's Health and Genetics/Laboratory Corporation of America, LabCorp
Classification: Uncertain significance. Last evaluated: 2025-03-21. Review status: criteria provided, single submitter. Criteria: LabCorp Variant Classification Summary - May 2015. Collection method: clinical testing. Allele origin: germline.
Comment: Variant summary: C1S c.362C>T (p.Thr121Met) results in a non-conservative amino acid change in the encoded protein sequence. Four of five in-silico tools predict a damaging effect of the variant on protein function. The variant allele was found at a frequency of 2.4e-05 in 251210 control chromosomes. The available data on variant occurrences in the general population are insufficient to allow any conclusion about variant significance. To our knowledge, no occurrence of c.362C>T in individuals affected with Complement component C1s deficiency and no experimental evidence demonstrating its impact on protein function have been reported. ClinVar contains an entry for this variant (Variation ID: 2182158). Based on the evidence outlined above, the variant was classified as uncertain significance.

Ambry Genetics
Classification: Uncertain significance for Inborn genetic diseases. Last evaluated: 2024-10-09. Review status: criteria provided, single submitter. Criteria: Ambry Variant Classification Scheme 2023. Collection method: clinical testing. Allele origin: germline.

NM_001734.5(C1S):c.362C>T (p.Thr121Met)

Gene: C1S (complement C1s; plus strand). Cytogenetic location: 12p13.31.
Variant type: single nucleotide variant.
Coding change: c.362C>T on transcript NM_001734.5 (MANE Select); coding-DNA position 362, C replaced by T.
Protein change: p.Thr121Met; replaces threonine 121 with methionine.
Molecular consequence: missense variant. On other transcripts: 5 prime UTR variant (1).
Genome position (GRCh38, 1-based): chr12:7,063,038, C>T. VCF-style: chr12-7063038-C-T. GRCh37 (hg19) VCF-style: chr12-7170342-C-T.
Other names: c.-140C>T (NM_001346850.2); c.362C>T, p.Thr121Met (NM_201442.4); c.362C>T (NM_201442.2); short protein forms T121M.
Identifiers: ClinVar variation 2182158 (VCV002182158.6), dbSNP rs782226018, ClinGen allele CA6423378.
Genomic context (GRCh38, chr12:7,063,038, plus strand): 5'-TCCCATACAACAAACTCCAGGTGATCTTTAAGTCAGACTTTTCCAATGAAGAGCGTTTTA[C>T]GGGGTTTGCTGCATACTATGTTGCCACAGGTAAGGCTCACCCTTCTGCATGTGCCTTATT-3'
Protein context (NP_001725.1, residues 111-131): KSDFSNEERF[Thr121Met]GFAAYYVATD